The following is an entry in ClinVar:

ClinVar aggregate classification (germline): Uncertain significance (1 of 4 stars; one submission).

Conditions:
Familial focal epilepsy with variable foci (FPEVF). Identifiers: Orphanet 98820, MedGen C1858477, MONDO:0020310.

Submission:

Labcorp Genetics (formerly Invitae), Labcorp
Classification: Uncertain significance for Familial focal epilepsy with variable foci. Last evaluated: 2023-09-25. Review status: criteria provided, single submitter. Criteria: Invitae Variant Classification Sherloc (09022015). Collection method: clinical testing. Allele origin: germline.
Comment: In summary, the available evidence is currently insufficient to determine the role of this variant in disease. Therefore, it has been classified as a Variant of Uncertain Significance. Experimental studies and prediction algorithms are not available or were not evaluated, and the functional significance of this variant is currently unknown. This variant has not been reported in the literature in individuals affected with DEPDC5-related conditions. This variant is not present in population databases (gnomAD no frequency). This sequence change replaces serine, which is neutral and polar, with glycine, which is neutral and non-polar, at codon 1428 of the DEPDC5 protein (p.Ser1428Gly).

NM_001242896.3(DEPDC5):c.4282A>G (p.Ser1428Gly)

Gene: DEPDC5 (DEP domain containing 5, GATOR1 subcomplex subunit; plus strand). Cytogenetic location: 22q12.3.
Variant type: single nucleotide variant.
Coding change: c.4282A>G on transcript NM_001242896.3 (MANE Select); coding-DNA position 4282, A replaced by G.
Protein change: p.Ser1428Gly; replaces serine 1428 with glycine.
Molecular consequence: missense variant. On other transcripts: non-coding transcript variant (5).
Genome position (GRCh38, 1-based): chr22:31,897,560, A>G. VCF-style: chr22-31897560-A-G. GRCh37 (hg19) VCF-style: chr22-32293546-A-G.
Other names: c.4255A>G, p.Ser1419Gly (NM_001136029.4); c.3982A>G, p.Ser1328Gly (NM_001242897.2); c.4216A>G, p.Ser1406Gly (NM_001363852.2, NM_001364320.2); c.4048A>G, p.Ser1350Gly (NM_001363854.2, NM_001364319.2); c.4282A>G, p.Ser1428Gly (NM_001364318.2); c.4198A>G, p.Ser1400Gly (NM_001369901.1, NM_001369902.1); c.4189A>G, p.Ser1397Gly (NM_001369903.1, NM_014662.6); short protein forms S1350G, S1397G, S1428G, S1328G, S1419G, S1400G, S1406G.
Identifiers: ClinVar variation 3004870 (VCV003004870.3), dbSNP rs2093575472, ClinGen allele CA411288351.